The following is an entry in ClinVar:

NM_014271.4(IL1RAPL1):c.1495A>G (p.Met499Val)

Gene: IL1RAPL1 (interleukin 1 receptor accessory protein like 1; plus strand). Cytogenetic location: Xp21.2.
Variant type: single nucleotide variant.
Coding change: c.1495A>G on transcript NM_014271.4 (MANE Select); coding-DNA position 1495, A replaced by G.
Protein change: p.Met499Val; replaces methionine 499 with valine.
Molecular consequence: missense variant.
Genome position (GRCh38, 1-based): chrX:29,955,224, A>G. VCF-style: chrX-29955224-A-G. GRCh37 (hg19) VCF-style: chrX-29973341-A-G.
Other names: short protein forms M499V.
Identifiers: ClinVar variation 3371834 (VCV003371834.1).

ClinVar aggregate classification (germline): Uncertain significance (1 of 4 stars; one submission).

Submission:

GeneDx
Classification: Uncertain significance. Last evaluated: 2024-03-28. Review status: criteria provided, single submitter. Criteria: GeneDx Variant Classification Process June 2021. Collection method: clinical testing. Allele origin: germline. Affected: yes.
Comment: Not observed at significant frequency in large population cohorts (gnomAD); In silico analysis supports that this missense variant does not alter protein structure/function; Has not been previously published as pathogenic or benign to our knowledge